The following is an entry in ClinVar:

NM_000719.7(CACNA1C):c.1754T>C (p.Val585Ala)

Gene: CACNA1C (calcium voltage-gated channel subunit alpha1 C; plus strand). Cytogenetic location: 12p13.33.
Variant type: single nucleotide variant.
Coding change: c.1754T>C on transcript NM_000719.7 (MANE Select); coding-DNA position 1754, T replaced by C.
Protein change: p.Val585Ala; replaces valine 585 with alanine.
Molecular consequence: missense variant.
Genome position (GRCh38, 1-based): chr12:2,567,653, T>C. VCF-style: chr12-2567653-T-C. GRCh37 (hg19) VCF-style: chr12-2676819-T-C.
Other names: c.1754T>C, p.Val585Ala (NM_001129830.3, NM_001129835.2, NM_001129836.2 and 18 more transcripts); c.1745T>C, p.Val582Ala (NM_001129844.2); short protein forms V582A, V585A.
Identifiers: ClinVar variation 2863735 (VCV002863735.3), dbSNP rs2512923616, ClinGen allele CA383368936.

ClinVar aggregate classification (germline): Uncertain significance (1 of 4 stars; one submission).

Conditions:
Long QT syndrome (LQTS). Identifiers: MedGen C0023976, MeSH D008133, MONDO:0002442. Disease mechanism: loss of function. Inheritance: Various modes of inheritance.

Submission:

Labcorp Genetics (formerly Invitae), Labcorp
Classification: Uncertain significance for Long QT syndrome. Last evaluated: 2023-05-12. Review status: criteria provided, single submitter. Criteria: Invitae Variant Classification Sherloc (09022015). Collection method: clinical testing. Allele origin: germline.
Comment: In summary, the available evidence is currently insufficient to determine the role of this variant in disease. Therefore, it has been classified as a Variant of Uncertain Significance. Advanced modeling of protein sequence and biophysical properties (such as structural, functional, and spatial information, amino acid conservation, physicochemical variation, residue mobility, and thermodynamic stability) performed at Invitae indicates that this missense variant is not expected to disrupt CACNA1C protein function. This variant has not been reported in the literature in individuals affected with CACNA1C-related conditions. This variant is not present in population databases (gnomAD no frequency). This sequence change replaces valine, which is neutral and non-polar, with alanine, which is neutral and non-polar, at codon 585 of the CACNA1C protein (p.Val585Ala).